The following is an entry in ClinVar:

ClinVar aggregate classification (germline): Benign. Review status: criteria provided, multiple submitters, no conflicts (2 of 4 stars). 2 submissions from 2 submitters: Benign (2). Last evaluated 2018-01-13.

Conditions:
CEDNIK syndrome. Also called: CEREBRAL DYSGENESIS, NEUROPATHY, ICHTHYOSIS, AND PALMOPLANTAR KERATODERMA SYNDROME; Cerebral dysgenesis, neuropathy, ichthyosis, and palmoplantar keratoderma. Identifiers: Orphanet 66631, MedGen C1836033, MONDO:0012290, OMIM 609528.

Allele frequency attached by ClinVar (database versions not stated): gnomAD 0.00529 and 0.00586; TOPMed 0.00815; 1000 Genomes Project 30x 0.01374; 1000 Genomes Project 0.01398.
gnomAD v4.1: 8,381 of 1,430,268 alleles (0.59%); highest among the groups gnomAD compares: East Asian, 4.6%; 70 homozygotes.

Submissions (2):

Illumina Laboratory Services, Illumina
Classification: Benign for CEDNIK syndrome. Last evaluated: 2018-01-13. Review status: criteria provided, single submitter. Criteria: ICSL Variant Classification Criteria 13 December 2019. Collection method: clinical testing. Allele origin: germline.
Comment: This variant was observed in the ICSL laboratory as part of a predisposition screen in an ostensibly healthy population. It had not been previously curated by ICSL or reported in the Human Gene Mutation Database (HGMD: prior to June 1st, 2018), and was therefore a candidate for classification through an automated scoring system. Utilizing variant allele frequency, disease prevalence and penetrance estimates, and inheritance mode, an automated score was calculated to assess if this variant is too frequent to cause the disease. Based on the score and internal cut-off values, a variant classified as benign is not then subjected to further curation. The score for this variant resulted in a classification of benign for this disease.

Breakthrough Genomics
Classification: Benign. Review status: criteria provided, single submitter. Criteria: ACMG Guidelines, 2015. Collection method: not provided. Allele origin: germline. Inheritance: Autosomal recessive inheritance. Affected: yes.

NM_004782.4(SNAP29):c.-68A>T

Gene: SNAP29 (synaptosome associated protein 29; plus strand). Cytogenetic location: 22q11.21.
Variant type: single nucleotide variant.
Coding change: c.-68A>T on transcript NM_004782.4 (MANE Select); 68 bases upstream of the start codon, A replaced by T.
Molecular consequence: 5 prime UTR variant.
Genome position (GRCh38, 1-based): chr22:20,859,043, A>T. VCF-style: chr22-20859043-A-T. GRCh37 (hg19) VCF-style: chr22-21213331-A-T.
Identifiers: ClinVar variation 340823 (VCV000340823.6), dbSNP rs117593372, ClinGen allele CA10650879.